The following is an entry in ClinVar:

ClinVar aggregate classification (germline): Uncertain significance (1 of 4 stars; one submission).

Conditions:
Emery-Dreifuss muscular dystrophy 5, autosomal dominant (EDMD5). Also called: EMERY-DREIFUSS MUSCULAR DYSTROPHY 5. Identifiers: Orphanet 261, MedGen C2751805, MONDO:0013072, OMIM 612999.

Allele frequency attached by ClinVar (database versions not stated): gnomAD 0.00001; TOPMed 0.00002; ExAC 0.00004; ESP Exome Variant Server 0.00008.
gnomAD v4.1: 14 of 1,613,834 alleles (0.00087%); highest among the groups gnomAD compares: Non-Finnish European, 0.0011%; no homozygotes.

Submission:

Labcorp Genetics (formerly Invitae), Labcorp
Classification: Uncertain significance for Emery-Dreifuss muscular dystrophy 5, autosomal dominant. Last evaluated: 2023-06-19. Review status: criteria provided, single submitter. Criteria: Invitae Variant Classification Sherloc (09022015). Collection method: clinical testing. Allele origin: germline.
Comment: In summary, the available evidence is currently insufficient to determine the role of this variant in disease. Therefore, it has been classified as a Variant of Uncertain Significance. An algorithm developed to predict the effect of missense changes on protein structure and function (PolyPhen-2) suggests that this variant is likely to be disruptive. ClinVar contains an entry for this variant (Variation ID: 2154957). This variant has not been reported in the literature in individuals affected with SYNE2-related conditions. This variant is present in population databases (rs377388363, gnomAD 0.004%). This sequence change replaces serine, which is neutral and polar, with phenylalanine, which is neutral and non-polar, at codon 5003 of the SYNE2 protein (p.Ser5003Phe).

NM_182914.3(SYNE2):c.15008C>T (p.Ser5003Phe)

Gene: SYNE2 (spectrin repeat containing nuclear envelope protein 2; plus strand). Cytogenetic location: 14q23.2.
Variant type: single nucleotide variant.
Coding change: c.15008C>T on transcript NM_182914.3 (MANE Select); coding-DNA position 15008, C replaced by T.
Protein change: p.Ser5003Phe; replaces serine 5003 with phenylalanine.
Molecular consequence: missense variant.
Genome position (GRCh38, 1-based): chr14:64,141,372, C>T. VCF-style: chr14-64141372-C-T. GRCh37 (hg19) VCF-style: chr14-64608090-C-T.
Other names: c.15008C>T, p.Ser5003Phe (NM_015180.6); short protein forms S5003F.
Identifiers: ClinVar variation 2154957 (VCV002154957.4), dbSNP rs377388363, ClinGen allele CA7222958.